The following is an entry in ClinVar:

ClinVar aggregate classification (germline): Uncertain significance (1 of 4 stars; one submission).

Submission:

Labcorp Genetics (formerly Invitae), Labcorp
Classification: Uncertain significance. Last evaluated: 2022-05-25. Review status: criteria provided, single submitter. Criteria: Invitae Variant Classification Sherloc (09022015). Collection method: clinical testing. Allele origin: germline.
Comment: In summary, the available evidence is currently insufficient to determine the role of this variant in disease. Therefore, it has been classified as a Variant of Uncertain Significance. Algorithms developed to predict the effect of sequence changes on RNA splicing suggest that this variant may disrupt the consensus splice site. This sequence change affects an acceptor splice site in intron 21 of the FN1 gene. It is expected to disrupt RNA splicing. Variants that disrupt the donor or acceptor splice site typically lead to a loss of protein function (PMID: 16199547), however the current clinical and genetic evidence is not sufficient to establish whether loss-of-function variants in FN1 cause disease. This variant is not present in population databases (gnomAD no frequency). This variant has not been reported in the literature in individuals affected with FN1-related conditions.

Literature cited by the submitters: PubMed 16199547.

NM_212482.4(FN1):c.3349-1G>T

Gene: FN1 (fibronectin 1; minus strand). Cytogenetic location: 2q35.
Variant type: single nucleotide variant.
Coding change: c.3349-1G>T on transcript NM_212482.4 (MANE Select); the canonical splice acceptor site of the intron before coding-DNA position 3349, G replaced by T.
Molecular consequence: splice acceptor variant.
Genome position (GRCh38, 1-based): chr2:215,397,849, C>A on the plus strand (G>T on the coding strand, the complement: FN1 is on the minus strand). VCF-style: chr2-215397849-C-A. GRCh37 (hg19) VCF-style: chr2-216262572-C-A.
Other names: c.3349-1G>T (NM_212474.3, NM_001306132.2, NM_001365523.2 and 13 more transcripts).
Identifiers: ClinVar variation 1911454 (VCV001911454.5), dbSNP rs2469873542, ClinGen allele CA350487946.